The following is an entry in ClinVar:

NM_000313.4(PROS1):c.1124G>T (p.Gly375Val)

Gene: PROS1 (protein S; minus strand). Cytogenetic location: 3q11.1.
Variant type: single nucleotide variant.
Coding change: c.1124G>T on transcript NM_000313.4 (MANE Select); coding-DNA position 1124, G replaced by T.
Protein change: p.Gly375Val; replaces glycine 375 with valine.
Molecular consequence: missense variant.
Genome position (GRCh38, 1-based): chr3:93,892,964, C>A on the plus strand (G>T on the coding strand, the complement: PROS1 is on the minus strand). VCF-style: chr3-93892964-C-A. GRCh37 (hg19) VCF-style: chr3-93611808-C-A.
Other names: c.1220G>T, p.Gly407Val (NM_001314077.2); short protein forms G375V, G407V.
Identifiers: ClinVar variation 2186137 (VCV002186137.4), dbSNP rs2472125782, ClinGen allele CA353671948.
Genomic context (GRCh38, chr3:93,892,964, plus strand): 5'-GAAGATATTGATGAAATCTGCAAACGTACCATATTCCATAGACCATTATTAATAACATCA[C>A]CTCCAGTTGTGATTTTGGATGTATGTTCATTCTTAAGCTGAACTTCAATCTTTCCACCAC-3'
Protein context (NP_000304.2, residues 365-385): NEHTSKITTG[Gly375Val]DVINNGLWNM

ClinVar aggregate classification (germline): Uncertain significance (1 of 4 stars; one submission).

Conditions:
Thrombophilia due to protein S deficiency, autosomal recessive (THPH6). Identifiers: Orphanet 743, MedGen C3281092, MONDO:0013791, OMIM 614514. Disease mechanism: loss of function.

gnomAD v4.1: 2 of 1,612,574 alleles (0.00012%); highest among the groups gnomAD compares: Non-Finnish European, 0.00017%; no homozygotes.

Submission:

Labcorp Genetics (formerly Invitae), Labcorp
Classification: Uncertain significance for Thrombophilia due to protein S deficiency, autosomal recessive. Last evaluated: 2022-02-18. Review status: criteria provided, single submitter. Criteria: Invitae Variant Classification Sherloc (09022015). Collection method: clinical testing. Allele origin: germline.
Comment: In summary, the available evidence is currently insufficient to determine the role of this variant in disease. Therefore, it has been classified as a Variant of Uncertain Significance. Algorithms developed to predict the effect of missense changes on protein structure and function (SIFT, PolyPhen-2, Align-GVGD) all suggest that this variant is likely to be disruptive. This variant has not been reported in the literature in individuals affected with PROS1-related conditions. This variant is not present in population databases (gnomAD no frequency). This sequence change replaces glycine, which is neutral and non-polar, with valine, which is neutral and non-polar, at codon 375 of the PROS1 protein (p.Gly375Val).